The following is an entry in ClinVar:

NM_001146156.2(GSK3B):c.813G>A (p.Lys271=)

Gene: GSK3B (glycogen synthase kinase 3 beta; minus strand). Cytogenetic location: 3q13.33.
Variant type: single nucleotide variant.
Coding change: c.813G>A on transcript NM_001146156.2 (MANE Select); coding-DNA position 813, G replaced by A.
Protein change: p.Lys271=; no amino-acid change (lysine 271 retained).
Molecular consequence: synonymous variant.
Genome position (GRCh38, 1-based): chr3:119,905,755, C>T on the plus strand (G>A on the coding strand, the complement: GSK3B is on the minus strand). VCF-style: chr3-119905755-C-T. GRCh37 (hg19) VCF-style: chr3-119624602-C-T.
Other names: c.813G>A, p.Lys271= (NM_001354596.2, NM_002093.4).
Identifiers: ClinVar variation 4829560 (VCV004829560.1).

ClinVar aggregate classification (germline): Uncertain significance (1 of 4 stars; one submission).

Submission:

Ambry Genetics
Classification: Uncertain significance. Last evaluated: 2026-01-06. Review status: criteria provided, single submitter. Criteria: Ambry Variant Classification Scheme 2023. Collection method: clinical testing. Allele origin: germline.
Comment: The c.813G>A (p.K271K) alteration is located in coding exon 7 of the GSK3B gene. This alteration consists of a G to A substitution at nucleotide position 813. This nucleotide substitution does not change the amino acid at codon 271. However, this change occurs in the last base pair of exon 7 (coding exon 7), which makes it likely to have some effect on normal mRNA splicing. This variant was not reported in population-based cohorts in the Genome Aggregation Database (gnomAD). This nucleotide position is highly conserved in available vertebrate species. In silico splice site analysis predicts that this alteration will weaken the native splice donor site. Based on insufficient or conflicting evidence, the clinical significance of this alteration remains unclear.